The following is an entry in ClinVar:

NM_001349253.2(SCN11A):c.4081G>C (p.Asp1361His)

Gene: SCN11A (sodium voltage-gated channel alpha subunit 11; minus strand). Cytogenetic location: 3p22.2.
Variant type: single nucleotide variant.
Coding change: c.4081G>C on transcript NM_001349253.2 (MANE Select); coding-DNA position 4081, G replaced by C.
Protein change: p.Asp1361His; replaces aspartic acid 1361 with histidine.
Molecular consequence: missense variant.
Genome position (GRCh38, 1-based): chr3:38,850,727, C>G on the plus strand (G>C on the coding strand, the complement: SCN11A is on the minus strand). VCF-style: chr3-38850727-C-G. GRCh37 (hg19) VCF-style: chr3-38892218-C-G.
Other names: p.Asp1361His; c.4081G>C, p.Asp1361His (NM_014139.3); short protein forms D1361H.
Identifiers: ClinVar variation 3379451 (VCV003379451.1).

ClinVar aggregate classification (germline): Uncertain significance (1 of 4 stars; one submission).

gnomAD v4.1: 2 of 1,606,638 alleles (0.00012%); highest among the groups gnomAD compares: African/African-American, 0.0027%; no homozygotes.

Submission:

Mayo Clinic Laboratories, Mayo Clinic
Classification: Uncertain significance. Last evaluated: 2023-11-01. Review status: criteria provided, single submitter. Criteria: ACMG Guidelines, 2015. Collection method: clinical testing. Allele origin: germline. Observed: 1 variant allele.
Comment: PP3, PM2_moderate